The following is an entry in ClinVar:

ClinVar aggregate classification (germline): Uncertain significance (1 of 4 stars; one submission).

Conditions:
Developmental delay, impaired speech, and behavioral abnormalities. Identifiers: MedGen C5561957, MONDO:0859178, OMIM 619475.

gnomAD v4.1: 26 of 1,614,056 alleles (0.0016%); highest among the groups gnomAD compares: Middle Eastern, 0.016%; no homozygotes.

Submission:

Clinical Genomics Laboratory, Washington University in St. Louis
Classification: Uncertain significance for Developmental delay, impaired speech, and behavioral abnormalities. Last evaluated: 2026-05-02. Review status: criteria provided, single submitter. Criteria: ACMG Guidelines, 2015. Collection method: clinical testing. Allele origin: germline.
Comment: The SPTBN1 c.6934G>A (p.Glu2312Lys) variant, to our knowledge, has not been reported in the medical literature. This variant is only observed in 3/251,418 alleles in the general population (gnomAD v2.1.1), indicating it is not a common variant. Most of the known pathogenic variants occur in the N-terminal actin-binding domain (also known as calponin homology (CH) domains), while this occurs in a disordered region at the C-terminus. Computational predictors suggest that the variant does not impact SPTBN1 function. Due to limited information, and based on ACMG/AMP guidelines for variant interpretation (Richards S et al., PMID: 25741868), the clinical significance of this variant is uncertain at this time.

NM_003128.3(SPTBN1):c.6934G>A (p.Glu2312Lys)

Genes: SPTBN1 (spectrin beta, non-erythrocytic 1; plus strand), SPTBN1-AS2 (SPTBN1 antisense RNA 2; minus strand). Cytogenetic location: 2p16.2.
Variant type: single nucleotide variant.
Coding change: c.6934G>A on transcript NM_003128.3 (MANE Select); coding-DNA position 6934, G replaced by A.
Protein change: p.Glu2312Lys; replaces glutamic acid 2312 with lysine.
Molecular consequence: missense variant.
Genome position (GRCh38, 1-based): chr2:54,668,408, G>A. VCF-style: chr2-54668408-G-A. GRCh37 (hg19) VCF-style: chr2-54895545-G-A.
Other names: short protein forms E2312K.
Identifiers: ClinVar variation 4879295 (VCV004879295.1).